The following is an entry in ClinVar:

ClinVar aggregate classification (germline): Likely benign. Review status: criteria provided, multiple submitters, no conflicts (2 of 4 stars). 2 submissions from 2 submitters: Likely benign (2). Last evaluated 2024-05-19.

Allele frequency attached by ClinVar (database versions not stated): gnomAD exomes 0.00001; gnomAD 0.00002 and 0.00004; TOPMed 0.00009.
gnomAD v4.1: 15 of 1,612,872 alleles (0.00093%); highest among the groups gnomAD compares: Non-Finnish European, 0.00093%; no homozygotes.

Submissions (2):

Labcorp Genetics (formerly Invitae), Labcorp
Classification: Likely benign. Last evaluated: 2024-05-19. Review status: criteria provided, single submitter. Criteria: Invitae Variant Classification Sherloc (09022015). Collection method: clinical testing. Allele origin: germline.

CeGaT Center for Human Genetics Tuebingen
Classification: Likely benign. Last evaluated: 2023-01-01. Review status: criteria provided, single submitter. Criteria: CeGaT Center For Human Genetics Tuebingen Variant Classification Criteria Version 2. Collection method: clinical testing. Allele origin: germline. Affected: yes. Observed: 1 variant allele.
Comment: COL4A1: BP4, BP7

NM_001845.6(COL4A1):c.2001C>G (p.Gly667=)

Gene: COL4A1 (collagen type IV alpha 1 chain; minus strand). Cytogenetic location: 13q34.
Variant type: single nucleotide variant.
Coding change: c.2001C>G on transcript NM_001845.6 (MANE Select); coding-DNA position 2001, C replaced by G.
Protein change: p.Gly667=; no amino-acid change (glycine 667 retained).
Molecular consequence: synonymous variant.
Genome position (GRCh38, 1-based): chr13:110,183,087, G>C on the plus strand (C>G on the coding strand, the complement: COL4A1 is on the minus strand). VCF-style: chr13-110183087-G-C. GRCh37 (hg19) VCF-style: chr13-110835434-G-C.
Identifiers: ClinVar variation 1584936 (VCV001584936.32), dbSNP rs954535100, ClinGen allele CA256262319.